The following is an entry in ClinVar:

ClinVar aggregate classification (germline): Uncertain significance (1 of 4 stars; one submission).

Conditions:
Cardiovascular phenotype. Identifiers: MedGen CN230736.

Allele frequency attached by ClinVar (database versions not stated): TOPMed below 0.00001; gnomAD 0.00001.
gnomAD v4.1: 1 of 1,613,274 alleles (0.000062%); highest among the groups gnomAD compares: African/African-American, 0.0013%; no homozygotes.

Submission:

Ambry Genetics
Classification: Uncertain significance for Cardiovascular phenotype. Last evaluated: 2015-08-20. Review status: criteria provided, single submitter. Criteria: Ambry Variant Classification Scheme 2023. Collection method: clinical testing. Allele origin: germline.
Comment: The p.E14960A variant (also known as c.44879A>C), located in coding exon 153 of the TTN gene, results from an A to C substitution at nucleotide position 44879. The glutamic acid at codon 14960 is replaced by alanine, an amino acid with dissimilar properties. This variant was not reported in population based cohorts in the following databases: Database of Single Nucleotide Polymorphisms (dbSNP), NHLBI Exome Sequencing Project (ESP), and 1000 Genomes Project. In the ESP, this variant was not observed in 6093 samples (12186 alleles) with coverage at this position. This amino acid position is highly conserved in available vertebrate species. In addition, this alteration is predicted to be tolerated by in silico analysis. Since supporting evidence is limited at this time, the clinical significance of this variant remains unclear

NM_001267550.2(TTN):c.72074A>C (p.Glu24025Ala)

Genes: TTN (titin; minus strand), TTN-AS1 (TTN antisense RNA 1; plus strand). Cytogenetic location: 2q31.2.
Variant type: single nucleotide variant.
Coding change: c.72074A>C on transcript NM_001267550.2 (MANE Select); coding-DNA position 72074, A replaced by C.
Protein change: p.Glu24025Ala; replaces glutamic acid 24025 with alanine.
Molecular consequence: missense variant.
Genome position (GRCh38, 1-based): chr2:178,574,058, T>G on the plus strand (A>C on the coding strand, the complement: TTN is on the minus strand). VCF-style: chr2-178574058-T-G. GRCh37 (hg19) VCF-style: chr2-179438785-T-G.
Other names: c.67151A>C, p.Glu22384Ala (NM_001256850.1); c.44879A>C, p.Glu14960Ala (NM_003319.4); c.64370A>C, p.Glu21457Ala (NM_133378.4); c.45254A>C, p.Glu15085Ala (NM_133432.3); c.45455A>C, p.Glu15152Ala (NM_133437.4); short protein forms E14960A, E24025A, E15085A, E15152A, E21457A, E22384A.
Identifiers: ClinVar variation 264228 (VCV000264228.5), dbSNP rs886039088, ClinGen allele CA10587481.